The following is an entry in ClinVar:

NM_001080517.3(SETD5):c.632G>A (p.Arg211Lys)

Gene: SETD5 (SET domain containing 5; plus strand). Cytogenetic location: 3p25.3.
Variant type: single nucleotide variant.
Coding change: c.632G>A on transcript NM_001080517.3 (MANE Select); coding-DNA position 632, G replaced by A.
Protein change: p.Arg211Lys; replaces arginine 211 with lysine.
Molecular consequence: missense variant.
Genome position (GRCh38, 1-based): chr3:9,440,520, G>A. VCF-style: chr3-9440520-G-A. GRCh37 (hg19) VCF-style: chr3-9482204-G-A.
Other names: c.338G>A, p.Arg113Lys (NM_001292043.2, NM_001349451.2); short protein forms R113K, R211K.
Identifiers: ClinVar variation 3371485 (VCV003371485.1).

ClinVar aggregate classification (germline): Uncertain significance (1 of 4 stars; one submission).

Submission:

GeneDx
Classification: Uncertain significance. Last evaluated: 2024-03-29. Review status: criteria provided, single submitter. Criteria: GeneDx Variant Classification Process June 2021. Collection method: clinical testing. Allele origin: germline. Affected: yes.
Comment: Not observed at significant frequency in large population cohorts (gnomAD); In silico analysis supports that this missense variant does not alter protein structure/function; Has not been previously published as pathogenic or benign to our knowledge